The following is an entry in ClinVar:

ClinVar aggregate classification (germline): Likely pathogenic (1 of 4 stars; one submission).

Conditions:
Autosomal recessive limb-girdle muscular dystrophy type 2J (LGMDR10). Also called: Limb-girdle muscular dystrophy, type 2J; MUSCULAR DYSTROPHY, LIMB-GIRDLE, AUTOSOMAL RECESSIVE 10. Identifiers: Orphanet 140922, MedGen C1837342, MONDO:0012127, OMIM 608807.
Dilated cardiomyopathy 1G (CMD1G). Identifiers: Orphanet 154, MedGen C1858763, MONDO:0011400, OMIM 604145.

Submission:

Labcorp Genetics (formerly Invitae), Labcorp
Classification: Likely pathogenic for Dilated cardiomyopathy 1G; Autosomal recessive limb-girdle muscular dystrophy type 2J. Last evaluated: 2025-10-28. Review status: criteria provided, single submitter. Criteria: Invitae Variant Classification Sherloc (09022015). Collection method: clinical testing. Allele origin: germline.
Comment: This sequence change creates a premature translational stop signal (p.Leu878Cysfs*21) in the TTN gene. While this is not anticipated to result in nonsense mediated decay, it is expected to create a truncated TTN protein. This variant is not present in population databases (gnomAD no frequency). This variant has not been reported in the literature in individuals affected with TTN-related conditions. ClinVar contains an entry for this variant (Variation ID: 2087780). This variant is located in the Z band of TTN (PMID: 25589632). Truncating variants in this region have been reported in individuals affected with autosomal recessive centronuclear myopathy (PMID: 33449170, internal data). Truncating variants in this region have also been identified in individuals affected with autosomal dominant dilated cardiomyopathy and/or cardio-related conditions (PMID: 27869827, 32964742, internal data). In summary, the currently available evidence indicates that the variant is pathogenic, but additional data are needed to prove that conclusively. Therefore, this variant has been classified as Likely Pathogenic.

Literature cited by the submitters: PubMed 25589632; PubMed 33449170; PubMed 27869827; PubMed 32964742.

NM_001267550.2(TTN):c.2628del (p.Leu878fs)

Gene: TTN (titin; minus strand). Cytogenetic location: 2q31.2.
Variant type: Deletion.
Coding change: c.2628del on transcript NM_001267550.2 (MANE Select); coding-DNA position 2628, one base deleted (A; older notation c.2628delA).
Protein change: p.Leu878fs; shifts the reading frame from leucine 878.
Molecular consequence: frameshift variant.
Genome position (GRCh38, 1-based): chr2:178,784,217, T deleted on the plus strand (A on the coding strand, the reverse complement: TTN is on the minus strand). VCF-style (leftmost placement, unchanged base first): chr2-178784216-GT-G. GRCh37 (hg19) VCF-style: chr2-179648943-GT-G.
Other names: c.2628del, p.Leu878fs (NM_001256850.1, NM_133378.4, NM_133379.5); c.2490del, p.Leu832fs (NM_003319.4, NM_133432.3, NM_133437.4); short protein forms L832fs, L878fs.
Identifiers: ClinVar variation 2087780 (VCV002087780.4), dbSNP rs2533457590, ClinGen allele CA2580065170.